The following is an entry in ClinVar:

ClinVar aggregate classification (germline): Likely pathogenic. Review status: reviewed by expert panel (3 of 4 stars). 8 submissions from 8 submitters: Likely pathogenic (1). 7 of the submissions do not count toward it. Last evaluated 2026-09-08.

Conditions:
Galactosemia. Also called: Galactose intolerance. Identifiers: Orphanet 352, MedGen C0016952, MONDO:0018116, HP:0004919. Disease mechanism: loss of function.
Deficiency of UDPglucose-hexose-1-phosphate uridylyltransferase. Also called: Transferase Deficiency Galactosemia; GALACTOSE-1-PHOSPHATE URIDYLYLTRANSFERASE DEFICIENCY; GALACTOSEMIA I; GALT deficiency; Galactosemia, classic. Identifiers: Orphanet 352, Orphanet 79239, MedGen C0268151, MONDO:0009258, OMIM 230400.

Allele frequency attached by ClinVar (database versions not stated): TOPMed below 0.00001; gnomAD 0.00001; gnomAD exomes 0.00001.
gnomAD v4.1: 9 of 1,614,030 alleles (0.00056%); highest among the groups gnomAD compares: Non-Finnish European, 0.00076%; no homozygotes.

Submissions (8):

Clingen Galactosemia Variant Curation Expert Panel, ClinGen
Classification: Likely pathogenic for Galactosemia. Last evaluated: 2026-09-08. Review status: reviewed by expert panel. Criteria: ClinGen Galactosemia ACMG Specifications GALT V1.1. Collection method: curation. Allele origin: germline. Inheritance: Autosomal recessive inheritance.
Comment: The c.379A>G variant in GALT is a missense variant predicted to cause substitution of lysine by glutamic acid at amino acid 127 (p.Lys127Glu). The filtering allele frequency (the upper threshold of the 95% CI of 9/1614030) of the c.379A>G variant in GALT is 0.0000036 for Non-Finnish European chromosomes by gnomAD v4.1.1, which is lower than the ClinGen Galactosemia threshold (≤ 0.0005) for PM2_Supporting, and therefore meets this criterion (PM2_Supporting). The computational predictor REVEL gives a score of 0.816, which is equal to or above the threshold of 0.7, evidence that correlates with impact to GALT function (PP3). At least one patient with this variant displayed GALT erythrocyte activity of <3.3 %, which is highly specific for galactosemia (PP4, PMID: 38444572). This variant has been detected in at least 7 individuals with galactosemia. All of those individuals were compound heterozygous for this variant and a pathogenic variant (PM3_Strong; PMID: 10384398, 11397328, 22870861, 31954591, 38444572). In summary, this variant meets the criteria to be classified as likely pathogenic for galactosemia based on the ACMG/AMP criteria applied, as specified by the ClinGen Galactosemia VCEP: PM2_Supporting, PP3, PP4, PM3_Strong (GALT specifications v1.1)

Natera, Inc.
Classification: Likely pathogenic for Galactosemia. Last evaluated: 2025-05-08. Review status: criteria provided, single submitter. Criteria: Natera Variant Classification Schema (03/2026). Collection method: clinical testing. Allele origin: germline. Not counted in ClinVar's aggregate classification.
Comment: The c.379A>G variant in GALT is a missense variant predicted to cause substitution of lysine to glutamic acid at amino acid 127. This variant is rare in the general population with a frequency below the threshold expected for the associated phenotype(s). This variant has been observed in one or more individuals affected with the associated recessive disease, as either homozygous or compound heterozygous with a second variant (PMID: 26733289, 10384398, 11397328). Given the available evidence, this variant is classified as Likely Pathogenic.

Labcorp Genetics (formerly Invitae), Labcorp
Classification: Pathogenic for Deficiency of UDPglucose-hexose-1-phosphate uridylyltransferase. Last evaluated: 2025-04-22. Review status: criteria provided, single submitter. Criteria: Invitae Variant Classification Sherloc (09022015). Collection method: clinical testing. Allele origin: germline. Not counted in ClinVar's aggregate classification.
Comment: This sequence change replaces lysine, which is basic and polar, with glutamic acid, which is acidic and polar, at codon 127 of the GALT protein (p.Lys127Glu). This variant is not present in population databases (gnomAD no frequency). This missense change has been observed in individual(s) with galactosemia and/or Galactosemia including one with the Duarte allele and one where the variant is observed on the opposite chromosome (in trans) from a pathogenic variant (PMID: 11397328, 22870861, 31954591; internal data). In at least one individual the data is consistent with being in trans (on the opposite chromosome) from a pathogenic variant. ClinVar contains an entry for this variant (Variation ID: 25167). An algorithm developed to predict the effect of missense changes on protein structure and function (PolyPhen-2) suggests that this variant is likely to be disruptive. For these reasons, this variant has been classified as Pathogenic.

ARUP Laboratories, Molecular Genetics and Genomics, ARUP Laboratories
Classification: Likely pathogenic for Deficiency of UDPglucose-hexose-1-phosphate uridylyltransferase. Last evaluated: 2024-04-03. Review status: criteria provided, single submitter. Criteria: ARUP Molecular Germline Variant Investigation Process 2024. Collection method: clinical testing. Allele origin: germline. Not counted in ClinVar's aggregate classification.
Comment: The GALT c.379A>G; p.Lys127Glu variant (rs111033682, ClinVar ID: 25167) is reported in the literature in several individuals affected with galactosemia along with a second GALT variant (Coss 2013, Hermans 2024, Shin 1999, Welsink-Karssies 2020). GALT activity in patient erythrocytes carrying p.Lys127Glu with a second GALT variant was severely reduced (Welsink-Karssies 2020, Shin 1999). The p.Lys127Glu variant is absent from the Genome Aggregation Database (v2.1.1), indicating it is not a common polymorphism. Computational analyses predict that this variant is deleterious (REVEL: 0.816). Based on available information, this variant is considered to be likely pathogenic. References: Coss KP et al. Classical Galactosaemia in Ireland: incidence, complications and outcomes of treatment. J Inherit Metab Dis. 2013 Jan;36(1):21-7. PMID: 22870861. Hermans ME et al. Neuropsychological stability in classical galactosemia: A pilot study in 10 adult patients. JIMD Rep. 2024 Jan 9;65(2):110-115. PMID: 38444572. Shin YS et al. Molecular and biochemical basis for variants and deficiency forms of galactose-1-phosphate uridyltransferase. J Inherit Metab Dis. 1999 May;22(3):327-9. PMID: 10384398. Welsink-Karssies MM et al. The Galactose Index measured in fibroblasts of GALT deficient patients distinguishes variant patients detected by newborn screening from patients with classical phenotypes. Mol Genet Metab. 2020 Mar;129(3):171-176. PMID: 31954591.

Baylor Genetics
Classification: Likely pathogenic for Deficiency of UDPglucose-hexose-1-phosphate uridylyltransferase. Last evaluated: 2024-01-29. Review status: criteria provided, single submitter. Criteria: ACMG Guidelines, 2015. Collection method: clinical testing. Allele origin: unknown. Not counted in ClinVar's aggregate classification.

Women's Health and Genetics/Laboratory Corporation of America, LabCorp
Classification: Pathogenic for Deficiency of UDPglucose-hexose-1-phosphate uridylyltransferase. Last evaluated: 2016-08-23. Review status: criteria provided, single submitter. Criteria: LabCorp Variant Classification Summary - May 2015. Collection method: clinical testing. Allele origin: germline. Not counted in ClinVar's aggregate classification.
Comment: Variant summary: The GALT c.379A>G (p.Lys127Glu) variant involves the alteration of a conserved nucleotide. 2/4 in silico tools predict a damaging outcome for this variant. This variant is located in the HIT-like domain (InterPro). Predicted structural consequences of this variant is misfolding of the protein (Facchiano_2010, McCorvie_2016). This variant was absent in 121412 control chromosomes. This variant is widely reported as pathogenic variant causing galactosemia with consistent patient and functional data. In addition, multiple reputable databases classified this variant as pathogenic. Taken together, this variant is classified as Pathogenic.

Eurofins Ntd Llc (ga)
Classification: Uncertain significance. Last evaluated: 2015-09-08. Review status: criteria provided, single submitter. Criteria: EGL Classification Definitions 2015. Collection method: clinical testing. Allele origin: germline. Observed: 1 variant allele, 1 heterozygote. Not counted in ClinVar's aggregate classification.

Counsyl
Classification: Likely pathogenic for Deficiency of UDPglucose-hexose-1-phosphate uridylyltransferase. Last evaluated: 2018-03-09. Review status: no assertion criteria provided. Collection method: clinical testing. Allele origin: unknown. Not counted in ClinVar's aggregate classification.

Literature cited by the submitters: PubMed 26733289 (cited by Natera, Inc.); PubMed 10384398 (cited by 3 submitters); PubMed 11397328 (cited by 4 submitters); PubMed 22870861 (cited by 3 submitters); PubMed 31954591 (cited by Labcorp Genetics (formerly Invitae), Labcorp); PubMed 20008339 (cited by Women's Health and Genetics/Laboratory Corporation of America, LabCorp and Counsyl); PubMed 15841485 (cited by Women's Health and Genetics/Laboratory Corporation of America, LabCorp and Counsyl); PubMed 15633893 (cited by Women's Health and Genetics/Laboratory Corporation of America, LabCorp); PubMed 10408771 (cited by Women's Health and Genetics/Laboratory Corporation of America, LabCorp); PubMed 11261429 (cited by Women's Health and Genetics/Laboratory Corporation of America, LabCorp); PubMed 27005423 (cited by Counsyl).

NM_000155.4(GALT):c.379A>G (p.Lys127Glu)

Gene: GALT (galactose-1-phosphate uridylyltransferase; plus strand). Cytogenetic location: 9p13.3.
Variant type: single nucleotide variant.
Coding change: c.379A>G on transcript NM_000155.4 (MANE Select); coding-DNA position 379, A replaced by G.
Protein change: p.Lys127Glu; replaces lysine 127 with glutamic acid.
Molecular consequence: missense variant.
Genome position (GRCh38, 1-based): chr9:34,647,833, A>G. VCF-style: chr9-34647833-A-G. GRCh37 (hg19) VCF-style: chr9-34647830-A-G.
Other names: NM_000155.4(GALT):c.379A>G; c.52A>G, p.Lys18Glu (NM_001258332.2); short protein forms K127E, K18E.
Identifiers: ClinVar variation 25167 (VCV000025167.19), dbSNP rs111033682, ClinGen allele CA259377.